The following is an entry in ClinVar:

ClinVar aggregate classification (germline): Uncertain significance (1 of 4 stars; one submission).

gnomAD v4.1: 18 of 1,614,076 alleles (0.0011%); highest among the groups gnomAD compares: Non-Finnish European, 0.0015%; no homozygotes.

Submission:

Labcorp Genetics (formerly Invitae), Labcorp
Classification: Uncertain significance. Last evaluated: 2024-11-03. Review status: criteria provided, single submitter. Criteria: Invitae Variant Classification Sherloc (09022015). Collection method: clinical testing. Allele origin: germline.
Comment: This sequence change replaces lysine, which is basic and polar, with asparagine, which is neutral and polar, at codon 782 of the FLNB protein (p.Lys782Asn). This variant is present in population databases (rs778522254, gnomAD 0.004%). This variant has not been reported in the literature in individuals affected with FLNB-related conditions. Invitae Evidence Modeling of protein sequence and biophysical properties (such as structural, functional, and spatial information, amino acid conservation, physicochemical variation, residue mobility, and thermodynamic stability) indicates that this missense variant is not expected to disrupt FLNB protein function with a negative predictive value of 95%. In summary, the available evidence is currently insufficient to determine the role of this variant in disease. Therefore, it has been classified as a Variant of Uncertain Significance.

NM_001457.4(FLNB):c.2346G>C (p.Lys782Asn)

Gene: FLNB (filamin B; plus strand). Cytogenetic location: 3p14.3.
Variant type: single nucleotide variant.
Coding change: c.2346G>C on transcript NM_001457.4 (MANE Select); coding-DNA position 2346, G replaced by C.
Protein change: p.Lys782Asn; replaces lysine 782 with asparagine.
Molecular consequence: missense variant.
Genome position (GRCh38, 1-based): chr3:58,110,032, G>C. VCF-style: chr3-58110032-G-C. GRCh37 (hg19) VCF-style: chr3-58095759-G-C.
Other names: c.2346G>C, p.Lys782Asn (NM_001164317.2, NM_001164318.2, NM_001164319.2); short protein forms K782N.
Identifiers: ClinVar variation 3607660 (VCV003607660.2).